The following is an entry in ClinVar:

NM_022041.4(GAN):c.445G>A (p.Val149Ile)

Gene: GAN (gigaxonin; plus strand). Cytogenetic location: 16q23.2.
Variant type: single nucleotide variant.
Coding change: c.445G>A on transcript NM_022041.4 (MANE Select); coding-DNA position 445, G replaced by A.
Protein change: p.Val149Ile; replaces valine 149 with isoleucine.
Molecular consequence: missense variant. On other transcripts: 5 prime UTR variant (1).
Genome position (GRCh38, 1-based): chr16:81,354,567, G>A. VCF-style: chr16-81354567-G-A. GRCh37 (hg19) VCF-style: chr16-81388172-G-A.
Other names: c.-195G>A (NM_001377486.1); short protein forms V149I.
Identifiers: ClinVar variation 546775 (VCV000546775.49), dbSNP rs369703737, ClinGen allele CA8191370.

ClinVar aggregate classification (germline): Uncertain significance. Review status: criteria provided, multiple submitters, no conflicts (2 of 4 stars). 3 submissions from 3 submitters: Uncertain significance (3). Last evaluated 2023-11-09.

Conditions:
Giant axonal neuropathy 1 (GAN1). Also called: GAN-Related Neurodegeneration; GIANT AXONAL NEUROPATHY 1, AUTOSOMAL RECESSIVE. Identifiers: Orphanet 643, MedGen C1850386, MONDO:0009749, OMIM 256850.
Inborn genetic diseases. Identifiers: MedGen C0950123, MeSH D030342.

Allele frequency attached by ClinVar (database versions not stated): gnomAD 0.00004 and 0.00005; ExAC 0.00005; TOPMed 0.00006; ESP Exome Variant Server 0.00015.
gnomAD v4.1: 48 of 1,613,952 alleles (0.003%); highest among the groups gnomAD compares: South Asian, 0.012%; no homozygotes.

Submissions (3):

Ambry Genetics
Classification: Uncertain significance for Inborn genetic diseases. Last evaluated: 2023-11-09. Review status: criteria provided, single submitter. Criteria: Ambry Variant Classification Scheme 2023. Collection method: clinical testing. Allele origin: germline.

Labcorp Genetics (formerly Invitae), Labcorp
Classification: Uncertain significance for Giant axonal neuropathy 1. Last evaluated: 2022-09-06. Review status: criteria provided, single submitter. Criteria: Invitae Variant Classification Sherloc (09022015). Collection method: clinical testing. Allele origin: germline.
Comment: This sequence change replaces valine, which is neutral and non-polar, with isoleucine, which is neutral and non-polar, at codon 149 of the GAN protein (p.Val149Ile). This variant is present in population databases (rs369703737, gnomAD 0.01%). This variant has not been reported in the literature in individuals affected with GAN-related conditions. ClinVar contains an entry for this variant (Variation ID: 546775). Algorithms developed to predict the effect of missense changes on protein structure and function (SIFT, PolyPhen-2, Align-GVGD) all suggest that this variant is likely to be tolerated. In summary, the available evidence is currently insufficient to determine the role of this variant in disease. Therefore, it has been classified as a Variant of Uncertain Significance.

CeGaT Center for Human Genetics Tuebingen
Classification: Uncertain significance. Last evaluated: 2017-11-01. Review status: criteria provided, single submitter. Criteria: CeGaT Center For Human Genetics Tuebingen Variant Classification Criteria Version 2. Collection method: clinical testing. Allele origin: germline. Affected: yes. Observed: 1 variant allele.